The following is an entry in ClinVar:

NM_000053.4(ATP7B):c.3369G>A (p.Pro1123=)

Gene: ATP7B (ATPase copper transporting beta; minus strand). Cytogenetic location: 13q14.3.
Variant type: single nucleotide variant.
Coding change: c.3369G>A on transcript NM_000053.4 (MANE Select); coding-DNA position 3369, G replaced by A.
Protein change: p.Pro1123=; no amino-acid change (proline 1123 retained).
Molecular consequence: synonymous variant.
Genome position (GRCh38, 1-based): chr13:51,942,429, C>T on the plus strand (G>A on the coding strand, the complement: ATP7B is on the minus strand). VCF-style: chr13-51942429-C-T. GRCh37 (hg19) VCF-style: chr13-52516565-C-T.
Other names: p.Pro1123=; c.2748G>A, p.Pro916= (NM_001005918.3); c.3036G>A, p.Pro1012= (NM_001243182.2); c.3135G>A, p.Pro1045= (NM_001330578.2); c.3117G>A, p.Pro1039= (NM_001330579.2).
Identifiers: ClinVar variation 92388 (VCV000092388.42), dbSNP rs61733679, ClinGen allele CA145683.
Genomic context (GRCh38, chr13:51,942,429, plus strand): 5'-ACAAAAGCCAGCAATACCTTTTTCTGCGGGAAGGCTGCCAGCCTCATTCAGGTGACTGGC[C>T]GGTGCACTCAAAGGGCGCTCACTGTGGGCCAGGATGCCTTCCACGTTGCTGACTTTGCAC-3'
Protein context (NP_000044.2, residues 1113-1133): LAHSERPLSA[Pro1123=]ASHLNEAGSL

ClinVar aggregate classification (germline): Conflicting classifications of pathogenicity. Review status: criteria provided, conflicting classifications (1 of 4 stars). 14 submissions from 14 submitters: Uncertain significance (1); Benign (3); Likely benign (9). 1 of the submissions does not count toward it. Last evaluated 2026-10-01.

Conditions:
Inborn genetic diseases. Identifiers: MedGen C0950123, MeSH D030342.
Wilson disease (WND). Also called: Wilson's disease. Identifiers: Orphanet 905, MedGen C0019202, MONDO:0010200, OMIM 277900. Disease mechanism: loss of function.

Allele frequency attached by ClinVar (database versions not stated): 1000 Genomes Project 30x 0.00562; gnomAD exomes 0.00031 and 0.00085; ExAC 0.00112; ESP Exome Variant Server 0.00315; gnomAD 0.00339 and 0.00362; TOPMed 0.00364; 1000 Genomes Project 0.00479.
gnomAD v4.1: 1,010 of 1,614,158 alleles (0.063%); highest among the groups gnomAD compares: African/African-American, 1.1%; 3 homozygotes.

Submissions (14):

CeGaT Center for Human Genetics Tuebingen
Classification: Likely benign. Last evaluated: 2026-10-01. Review status: criteria provided, single submitter. Criteria: CeGaT Center For Human Genetics Tuebingen Variant Classification Criteria Version 2. Collection method: clinical testing. Allele origin: germline. Affected: yes. Observed: 3 variant alleles.
Comment: ATP7B: BP4, BP7, BS1

Labcorp Genetics (formerly Invitae), Labcorp
Classification: Benign for Wilson disease. Last evaluated: 2026-02-02. Review status: criteria provided, single submitter. Criteria: Invitae Variant Classification Sherloc (09022015). Collection method: clinical testing. Allele origin: germline.

Mayo Clinic Laboratories, Mayo Clinic
Classification: Likely benign. Last evaluated: 2025-04-21. Review status: criteria provided, single submitter. Criteria: ACMG Guidelines, 2015. Collection method: clinical testing. Allele origin: germline. Observed: 5 variant alleles.
Comment: BS1, BP4, BP7

Blueprint Genetics
Classification: Likely benign. Last evaluated: 2024-10-22. Review status: criteria provided, single submitter. Criteria: ACMG Guidelines, 2015. Collection method: clinical testing. Allele origin: germline.

All of Us Research Program, National Institutes of Health
Classification: Likely benign for Wilson disease. Last evaluated: 2024-02-05. Review status: criteria provided, single submitter. Criteria: ACMG Guidelines, 2015. Collection method: clinical testing. Allele origin: germline. Inheritance: Autosomal recessive inheritance. Observed: 220 variant alleles, 220 heterozygotes.
Comment: This study involves interpretation of variants in research participants for the purpose of population health screening. Participant phenotype was not available at the time of variant classification. Additional details can be found in publication PMID: 35346344, PMCID: PMC8962531

Color Diagnostics, LLC DBA Color Health
Classification: Likely benign for Wilson disease. Last evaluated: 2022-09-21. Review status: criteria provided, single submitter. Criteria: ACMG Guidelines, 2015. Collection method: clinical testing. Allele origin: germline.

Ambry Genetics
Classification: Likely benign for Inborn genetic diseases. Last evaluated: 2022-08-10. Review status: criteria provided, single submitter. Criteria: Ambry Variant Classification Scheme 2023. Collection method: clinical testing. Allele origin: germline.

ARUP Laboratories, Molecular Genetics and Genomics, ARUP Laboratories
Classification: Benign for Wilson disease. Last evaluated: 2022-03-08. Review status: criteria provided, single submitter. Criteria: ARUP Molecular Germline Variant Investigation Process 2021. Collection method: clinical testing. Allele origin: germline.

Genome-Nilou Lab
Classification: Likely benign for Wilson disease. Last evaluated: 2021-08-10. Review status: criteria provided, single submitter. Criteria: ACMG Guidelines, 2015. Collection method: clinical testing. Allele origin: germline. Affected: no.

GeneDx
Classification: Likely benign. Last evaluated: 2021-06-24. Review status: criteria provided, single submitter. Criteria: GeneDx Variant Classification Process June 2021. Collection method: clinical testing. Allele origin: germline. Affected: yes.

Illumina Laboratory Services, Illumina
Classification: Uncertain significance for Wilson disease. Last evaluated: 2018-01-12. Review status: criteria provided, single submitter. Criteria: ICSL Variant Classification Criteria 13 December 2019. Collection method: clinical testing. Allele origin: germline.

Women's Health and Genetics/Laboratory Corporation of America, LabCorp
Classification: Likely benign. Last evaluated: 2016-06-15. Review status: criteria provided, single submitter. Criteria: LabCorp Variant Classification Summary - May 2015. Collection method: clinical testing. Allele origin: germline.
Comment: Variant summary: The ATP7B c.3369G>A (p.Pro1123Pro) variant causes a synonymous change involving a non-conserved nucleotide with 4/5 splice prediction tools predicting no significant impact on splicing, although these predictions have yet to be functionally assessed. The variant of interest was observed in the large, broad control population, ExAC, with an allele frequency of 135/120756 (1/894), predominantly in the African cohort, 118/9800 (1/83), which exceeds the estimated maximal expected allele frequency for a pathogenic ATP7B variant of 1/1851. Therefore, suggesting the variant of interest is a common polymorphism found in population(s) of African origin. The variant of interest has not, to our knowledge, been reported in affected individuals via publications. A reputable clinical laboratory cites the variant as "benign." Therefore, taking all available lines of evidence into consideration, the variant of interest has been classified as likely benign until additional information becomes available.

Eurofins Ntd Llc (ga)
Classification: Benign. Last evaluated: 2013-02-26. Review status: criteria provided, single submitter. Criteria: EGL Classification Definitions 2015. Collection method: clinical testing. Allele origin: germline. Observed: 1 variant allele, 1 heterozygote.

Natera, Inc.
Classification: Likely benign for Wilson disease. Last evaluated: 2019-10-23. Review status: no assertion criteria provided. Collection method: clinical testing. Allele origin: germline. Not counted in ClinVar's aggregate classification.